The following is an entry in ClinVar:

NM_000540.3(RYR1):c.8522A>C (p.Lys2841Thr)

Genes: RYR1 (ryanodine receptor 1; plus strand), LOC126862902 (BRD4-independent group 4 enhancer GRCh37_chr19:38995830-38997029; plus strand). Cytogenetic location: 19q13.2.
Variant type: single nucleotide variant.
Coding change: c.8522A>C on transcript NM_000540.3 (MANE Select); coding-DNA position 8522, A replaced by C.
Protein change: p.Lys2841Thr; replaces lysine 2841 with threonine.
Molecular consequence: missense variant.
Genome position (GRCh38, 1-based): chr19:38,505,927, A>C. VCF-style: chr19-38505927-A-C. GRCh37 (hg19) VCF-style: chr19-38996567-A-C.
Other names: c.8522A>C, p.Lys2841Thr (NM_001042723.2); short protein forms K2841T.
Identifiers: ClinVar variation 3075361 (VCV003075361.1), dbSNP rs2514362714, ClinGen allele CA405679015.

ClinVar aggregate classification (germline): Uncertain significance (1 of 4 stars; one submission).

Conditions:
Malignant hyperthermia, susceptibility to, 1 (MHS1). Also called: Anesthesia related hyperthermia; Malignant hyperpyrexia; Fulminating hyperpyrexia; Pharmacogenic myopathy; RYR1-Related Malignant Hyperthermia Susceptibility; Malignant hyperthermia suceptibility 1. Identifiers: Orphanet 423, MedGen C2930980, MONDO:0007783, OMIM 145600.

Submission:

All of Us Research Program, National Institutes of Health
Classification: Uncertain significance for Malignant hyperthermia, susceptibility to, 1. Last evaluated: 2024-01-11. Review status: criteria provided, single submitter. Criteria: ACMG Guidelines, 2015. Collection method: clinical testing. Allele origin: germline. Inheritance: Autosomal dominant inheritance. Observed: 1 variant allele, 1 heterozygote.
Comment: This study involves interpretation of variants in research participants for the purpose of population health screening. Participant phenotype was not available at the time of variant classification. Additional details can be found in publication PMID: 35346344, PMCID: PMC8962531